The following is an entry in ClinVar:

ClinVar aggregate classification (germline): Uncertain significance (1 of 4 stars; one submission).

Conditions:
Cardiovascular phenotype. Identifiers: MedGen CN230736.

Submission:

Ambry Genetics
Classification: Uncertain significance for Cardiovascular phenotype. Last evaluated: 2025-06-01. Review status: criteria provided, single submitter. Criteria: Ambry Variant Classification Scheme 2023. Collection method: clinical testing. Allele origin: germline.
Comment: The p.I462K variant (also known as c.1385T>A), located in coding exon 10 of the SCN10A gene, results from a T to A substitution at nucleotide position 1385. The isoleucine at codon 462 is replaced by lysine, an amino acid with dissimilar properties. This amino acid position is conserved. In addition, this alteration is predicted to be tolerated by in silico analysis. Based on the available evidence, the clinical significance of this variant remains unclear.

NM_006514.4(SCN10A):c.1385T>A (p.Ile462Lys)

Gene: SCN10A (sodium voltage-gated channel alpha subunit 10; minus strand). Cytogenetic location: 3p22.2.
Variant type: single nucleotide variant.
Coding change: c.1385T>A on transcript NM_006514.4 (MANE Select); coding-DNA position 1385, T replaced by A.
Protein change: p.Ile462Lys; replaces isoleucine 462 with lysine.
Molecular consequence: missense variant.
Genome position (GRCh38, 1-based): chr3:38,755,864, A>T on the plus strand (T>A on the coding strand, the complement: SCN10A is on the minus strand). VCF-style: chr3-38755864-A-T. GRCh37 (hg19) VCF-style: chr3-38797355-A-T.
Other names: c.1385T>A, p.Ile462Lys (NM_001293306.2, NM_001293307.2); short protein forms I462K.
Identifiers: ClinVar variation 3950888 (VCV003950888.1).